The following is an entry in ClinVar:

NM_000091.5(COL4A3):c.2765G>T (p.Gly922Val)

Genes: MFF-DT (MFF divergent transcript; minus strand), COL4A3 (collagen type IV alpha 3 chain; plus strand). Cytogenetic location: 2q36.3.
Variant type: single nucleotide variant.
Coding change: c.2765G>T on transcript NM_000091.5 (MANE Select); coding-DNA position 2765, G replaced by T.
Protein change: p.Gly922Val; replaces glycine 922 with valine.
Molecular consequence: missense variant.
Genome position (GRCh38, 1-based): chr2:227,284,229, G>T. VCF-style: chr2-227284229-G-T. GRCh37 (hg19) VCF-style: chr2-228148945-G-T.
Other names: short protein forms G922V.
Identifiers: ClinVar variation 558101 (VCV000558101.5), dbSNP rs920413118, ClinGen allele CA350851721.

ClinVar aggregate classification (germline): Likely pathogenic. Review status: criteria provided, multiple submitters, no conflicts (2 of 4 stars). 3 submissions from 3 submitters: Likely pathogenic (2). 1 of the submissions does not count toward it. Last evaluated 2025-08-20.

Conditions:
Autosomal recessive Alport syndrome (ATS2). Also called: Alport syndrome type 2; ALPORT SYNDROME 2, AUTOSOMAL RECESSIVE; COL4A3-Related Nephropathy; COL4A4 Alport Syndrome and Thin Basement Membrane Nephropathy. Identifiers: Orphanet 63, Orphanet 88919, MedGen C4746745, MONDO:0008762, OMIM 203780.
Alport syndrome. Also called: Hemorrhagic familial nephritis; Hemorrhagic hereditary nephritis; Congenital hereditary hematuria. Identifiers: Orphanet 63, MedGen C1567741, MONDO:0018965.

Allele frequency attached by ClinVar (database versions not stated): TOPMed below 0.00001; gnomAD 0.00001.

Submissions (3):

Natera, Inc.
Classification: Likely pathogenic for Alport syndrome. Last evaluated: 2025-08-20. Review status: criteria provided, single submitter. Criteria: Natera Variant Classification Schema (03/2026). Collection method: clinical testing. Allele origin: germline.
Comment: The c.2765G>T variant in COL4A3 is a missense variant predicted to cause substitution of glycine to valine at amino acid 922. This variant is rare in the general population with a frequency below the threshold expected for the associated phenotype(s). This variant is located in a functionally critical region of the protein. Computational prediction algorithms indicate this variant is likely to affect gene or protein function. Given the available evidence, this variant is classified as Likely Pathogenic.

Victorian Clinical Genetics Services, Murdoch Childrens Research Institute
Classification: Likely pathogenic for Alport syndrome. Last evaluated: 2024-12-17. Review status: criteria provided, single submitter. Criteria: ACMG Guidelines, 2015. Collection method: clinical testing. Allele origin: germline. Affected: yes.
Comment: This variant is classified as Likely pathogenic. Evidence in support of pathogenic classification: Variant is present in gnomAD <0.01 (v4: 1 heterozygote(s), 0 homozygote(s), 0 hemizygote(s)); Another missense variant comparable to the one identified in this case has limited previous evidence for pathogenicity. p.(Gly922Arg) has been classified as likely pathogenic in ClinVar; Variant is located in the well-established functional Gly-X-Y motif in the collagen triple helical domain (DECIPHER); Missense variant consistently predicted to be damaging by in silico tool or highly conserved with a major amino acid change. Additional information: Variant is predicted to result in a missense amino acid change from glycine to valine; This variant is heterozygous; This gene is associated with both recessive and dominant Alport syndrome (MONDO:0018965), COL4A3-related; Multiple alternative amino acid changes at the same position have been observed in gnomAD (v4) (highest allele count: 2 heterozygote(s), 0 homozygote(s)); Previous evidence of pathogenicity for this variant is inconclusive. This variant has been classified as a VUS by a clinical laboratory in in ClinVar. - No published segregation evidence has been identified for this variant; No published functional evidence has been identified for this variant; Dominant negative and loss of function are known mechanisms of disease in this gene and are associated with Alport syndrome (MONDO:0018965), COL4A3-related. Glycine changes that are part of a G-X-Y repeat in the triple helix of a collagen domain are known to have a dominant negative effect (PMID: 12028435); Inheritance information for this variant is not currently available in this individual.

Counsyl
Classification: Uncertain significance for Autosomal recessive Alport syndrome. Last evaluated: 2018-04-30. Review status: no assertion criteria provided. Collection method: clinical testing. Allele origin: unknown. Not counted in ClinVar's aggregate classification.

Literature cited by the submitters: PubMed 12028435 (cited by Victorian Clinical Genetics Services, Murdoch Childrens Research Institute).